The following is an entry in ClinVar:

NM_001194.4(HCN2):c.2569G>A (p.Ala857Thr)

Gene: HCN2 (hyperpolarization activated cyclic nucleotide gated potassium and sodium channel 2; plus strand). Cytogenetic location: 19p13.3.
Variant type: single nucleotide variant.
Coding change: c.2569G>A on transcript NM_001194.4 (MANE Select); coding-DNA position 2569, G replaced by A.
Protein change: p.Ala857Thr; replaces alanine 857 with threonine.
Molecular consequence: missense variant.
Genome position (GRCh38, 1-based): chr19:616,373, G>A. VCF-style: chr19-616373-G-A. GRCh37 (hg19) VCF-style: chr19-616373-G-A.
Other names: short protein forms A857T.
Identifiers: ClinVar variation 4685326 (VCV004685326.1).

ClinVar aggregate classification (germline): Uncertain significance (1 of 4 stars; one submission).

gnomAD v4.1: 3 of 1,227,346 alleles (0.00024%); highest among the groups gnomAD compares: Non-Finnish European, 0.0001%; no homozygotes.

Submission:

GeneDx
Classification: Uncertain significance. Last evaluated: 2025-07-10. Review status: criteria provided, single submitter. Criteria: GeneDx Variant Classification Process June 2021. Collection method: clinical testing. Allele origin: germline. Affected: yes.
Comment: In silico analysis suggests that this missense variant does not alter protein structure/function; Has not been previously published as pathogenic or benign to our knowledge